The following is an entry in ClinVar:

ClinVar aggregate classification (germline): Uncertain significance. Review status: criteria provided, multiple submitters, no conflicts (2 of 4 stars). 3 submissions from 3 submitters: Uncertain significance (3). Last evaluated 2025-08-02.

Conditions:
Orofaciodigital syndrome type 14. Also called: Orofaciodigital syndrome xiv. Identifiers: Orphanet 434179, MedGen C4706604, MONDO:0014413, OMIM 615948.
Inborn genetic diseases. Identifiers: MedGen C0950123, MeSH D030342.

Allele frequency attached by ClinVar (database versions not stated): TOPMed 0.00006; ESP Exome Variant Server 0.00015; 1000 Genomes Project 0.00040; 1000 Genomes Project 30x 0.00062; gnomAD 0.00001 and 0.00004; gnomAD exomes 0.00004; ExAC 0.00005.
gnomAD v4.1: 77 of 1,614,026 alleles (0.0048%); highest among the groups gnomAD compares: Middle Eastern, 0.017%; no homozygotes.

Submissions (3):

Ambry Genetics
Classification: Uncertain significance for Inborn genetic diseases. Last evaluated: 2025-08-02. Review status: criteria provided, single submitter. Criteria: Ambry Variant Classification Scheme 2023. Collection method: clinical testing. Allele origin: germline.

Labcorp Genetics (formerly Invitae), Labcorp
Classification: Uncertain significance. Last evaluated: 2022-10-31. Review status: criteria provided, single submitter. Criteria: Invitae Variant Classification Sherloc (09022015). Collection method: clinical testing. Allele origin: germline.
Comment: This sequence change replaces arginine, which is basic and polar, with cysteine, which is neutral and slightly polar, at codon 1901 of the C2CD3 protein (p.Arg1901Cys). This variant is present in population databases (rs140172238, gnomAD 0.007%). This variant has not been reported in the literature in individuals affected with C2CD3-related conditions. ClinVar contains an entry for this variant (Variation ID: 1379150). Advanced modeling of protein sequence and biophysical properties (such as structural, functional, and spatial information, amino acid conservation, physicochemical variation, residue mobility, and thermodynamic stability) performed at Invitae indicates that this missense variant is not expected to disrupt C2CD3 protein function. In summary, the available evidence is currently insufficient to determine the role of this variant in disease. Therefore, it has been classified as a Variant of Uncertain Significance.

Neuberg Centre For Genomic Medicine, NCGM
Classification: Uncertain significance for Orofaciodigital syndrome type 14. Review status: criteria provided, single submitter. Criteria: ACMG Guidelines, 2015. Collection method: clinical testing. Allele origin: germline. Inheritance: Autosomal recessive inheritance. Affected: yes.
Comment: The observed missense c.5701C>T(p.Arg1901Cys) variant in C2CD3 gene has not been reported previously as a pathogenic variant nor as a benign variant, to our knowledge. This variant is reported with the allele frequency of 0.004% in the gnomAD Exomes. This variant has been reported to the ClinVar database as Uncertain Significance. However, no details are available for independent assessment. The amino acid Arg at position 1901 is changed to a Cys changing protein sequence and it might alter its composition and physico-chemical properties. The amino acid change p.Arg1901Cys in C2CD3 is predicted as conserved by GERP++ and PhyloP across 100 vertebrates. The variant is predicted as damaging by SIFT. For these reasons, this variant has been classified as Uncertain Significance.

NM_001286577.2(C2CD3):c.5701C>T (p.Arg1901Cys)

Genes: C2CD3 (C2 domain containing 3 centriole elongation regulator; minus strand), LOC126861262 (CDK7 strongly-dependent group 2 enhancer GRCh37_chr11:73747696-73748895; plus strand). Cytogenetic location: 11q13.4.
Variant type: single nucleotide variant.
Coding change: c.5701C>T on transcript NM_001286577.2 (MANE Select); coding-DNA position 5701, C replaced by T.
Protein change: p.Arg1901Cys; replaces arginine 1901 with cysteine.
Molecular consequence: missense variant.
Genome position (GRCh38, 1-based): chr11:74,037,658, G>A on the plus strand (C>T on the coding strand, the complement: C2CD3 is on the minus strand). VCF-style: chr11-74037658-G-A. GRCh37 (hg19) VCF-style: chr11-73748703-G-A.
Other names: c.5701C>T, p.Arg1901Cys (NM_015531.6); c.5701C>T (NM_015531.4); short protein forms R1901C.
Identifiers: ClinVar variation 1379150 (VCV001379150.5), dbSNP rs140172238, ClinGen allele CA6181791.
Genomic context (GRCh38, chr11:74,037,658, plus strand): 5'-GTGAGATGGCCGTTTGAGTCTGAGGGCTGAGGGGTAGGAAAGGCTTGGTGAGCTTCTGGC[G>A]GAAGTACCTCTGAATCTGATCAAGCTCACTCAGATTCTTCCTATAAACAAAAGGGGGAGA-3'
Protein context (NP_001273506.1, residues 1891-1911): SELDQIQRYF[Arg1901Cys]QKLTKPFLPL